The following is an entry in ClinVar:

ClinVar aggregate classification (germline): Likely benign. Review status: criteria provided, multiple submitters, no conflicts (2 of 4 stars). 4 submissions from 4 submitters: Likely benign (4). Last evaluated 2026-09-01.

Allele frequency attached by ClinVar (database versions not stated): ExAC 0.00006; gnomAD 0.00007; ESP Exome Variant Server 0.00009; TOPMed 0.00009; 1000 Genomes Project 30x 0.00016; 1000 Genomes Project 0.00020.
gnomAD v4.1: 88 of 1,599,224 alleles (0.0055%); highest among the groups gnomAD compares: Middle Eastern, 0.13%; no homozygotes.

Submissions (4):

CeGaT Center for Human Genetics Tuebingen
Classification: Likely benign. Last evaluated: 2026-09-01. Review status: criteria provided, single submitter. Criteria: CeGaT Center For Human Genetics Tuebingen Variant Classification Criteria Version 2. Collection method: clinical testing. Allele origin: germline. Affected: yes. Observed: 1 variant allele.
Comment: COL18A1: BP4, BP7

Labcorp Genetics (formerly Invitae), Labcorp
Classification: Likely benign. Last evaluated: 2026-02-02. Review status: criteria provided, single submitter. Criteria: Invitae Variant Classification Sherloc (09022015). Collection method: clinical testing. Allele origin: germline.

Blueprint Genetics
Classification: Likely benign. Last evaluated: 2024-07-24. Review status: criteria provided, single submitter. Criteria: ACMG Guidelines, 2015. Collection method: clinical testing. Allele origin: germline.

PreventionGenetics, part of Exact Sciences
Classification: Likely benign. Review status: criteria provided, single submitter. Criteria: ACMG Guidelines, 2015. Collection method: clinical testing. Allele origin: germline.

NM_001379500.1(COL18A1):c.3579G>A (p.Ala1193=)

Genes: COL18A1 (collagen type XVIII alpha 1 chain; plus strand), SLC19A1 (solute carrier family 19 member 1; minus strand). Cytogenetic location: 21q22.3.
Variant type: single nucleotide variant.
Coding change: c.3579G>A on transcript NM_001379500.1 (MANE Select); coding-DNA position 3579, G replaced by A.
Protein change: p.Ala1193=; no amino-acid change (alanine 1193 retained).
Molecular consequence: synonymous variant.
Genome position (GRCh38, 1-based): chr21:45,510,147, G>A. VCF-style: chr21-45510147-G-A. GRCh37 (hg19) VCF-style: chr21-46930061-G-A.
Other names: c.4110G>A, p.Ala1370= (NM_030582.4); c.4815G>A, p.Ala1605= (NM_130444.3).
Identifiers: ClinVar variation 261913 (VCV000261913.14), dbSNP rs372559352, ClinGen allele CA10067961.
Genomic context (GRCh38, chr21:45,510,147, plus strand): 5'-CCCCCTGTCAGGCGGCATGCGGGGCATCCGCGGGGCCGACTTCCAGTGCTTCCAGCAGGC[G>A]CGGGCCGTGGGGCTGGCGGGCACCTTCCGCGCCTTCCTGTCCTCGCGCCTGCAGGACCTG-3'
Protein context (NP_001366429.1, residues 1183-1203): RGADFQCFQQ[Ala1193=]RAVGLAGTFR